The following is an entry in ClinVar:

NM_000051.4(ATM):c.1068T>C (p.Val356=)

Gene: ATM (ATM serine/threonine kinase; plus strand). Cytogenetic location: 11q22.3.
Variant type: single nucleotide variant.
Coding change: c.1068T>C on transcript NM_000051.4 (MANE Select); coding-DNA position 1068, T replaced by C.
Protein change: p.Val356=; no amino-acid change (valine 356 retained).
Molecular consequence: synonymous variant.
Genome position (GRCh38, 1-based): chr11:108,248,935, T>C. VCF-style: chr11-108248935-T-C. GRCh37 (hg19) VCF-style: chr11-108119662-T-C.
Other names: c.1068T>C, p.Val356= (NM_001351834.2).
Identifiers: ClinVar variation 453352 (VCV000453352.18), dbSNP rs1462038794, ClinGen allele CA476671632.

ClinVar aggregate classification (germline): Conflicting classifications of pathogenicity. Review status: criteria provided, conflicting classifications (1 of 4 stars). 6 submissions from 6 submitters: Uncertain significance (1); Benign (1); Likely benign (4). Last evaluated 2025-11-21.

Conditions:
Hereditary cancer-predisposing syndrome. Also called: Neoplastic Syndromes, Hereditary; Hereditary Cancer Syndrome; Hereditary neoplastic syndrome; Tumor predisposition. Identifiers: Orphanet 140162, MedGen C0027672, MeSH D009386, MONDO:0015356.
Familial cancer of breast. Also called: hereditary breast carcinoma; Hereditary breast cancer; BREAST CANCER, FAMILIAL. Identifiers: Orphanet 227535, MedGen C0346153, MONDO:0016419, OMIM 114480. Disease mechanism: loss of function.
Ataxia-telangiectasia syndrome (AT). Also called: Ataxia-telangiectasia, complementation group D; AT, COMPLEMENTATION GROUP C; ATAXIA-TELANGIECTASIA, COMPLEMENTATION GROUP A; ATAXIA-TELANGIECTASIA, FRESNO VARIANT; Cerebello-oculocutaneous telangiectasia; Immunodeficiency with ataxia telangiectasia. Identifiers: Orphanet 100, MedGen C0004135, MONDO:0008840, OMIM 208900.

Allele frequency attached by ClinVar (database versions not stated): gnomAD exomes below 0.00001; TOPMed 0.00002.
gnomAD v4.1: 2 of 1,603,994 alleles (0.00012%); highest among the groups gnomAD compares: East Asian, 0.0045%; no homozygotes.

Submissions (6):

Labcorp Genetics (formerly Invitae), Labcorp
Classification: Likely benign for Ataxia-telangiectasia syndrome. Last evaluated: 2025-11-21. Review status: criteria provided, single submitter. Criteria: Invitae Variant Classification Sherloc (09022015). Collection method: clinical testing. Allele origin: germline.

Women's Health and Genetics/Laboratory Corporation of America, LabCorp
Classification: Uncertain significance. Last evaluated: 2025-10-05. Review status: criteria provided, single submitter. Criteria: LabCorp Variant Classification Summary - May 2015. Collection method: clinical testing. Allele origin: germline.

Myriad Genetics, Inc.
Classification: Benign for Familial cancer of breast. Last evaluated: 2024-04-25. Review status: criteria provided, single submitter. Criteria: Myriad Autosomal Dominant, Autosomal Recessive and X-Linked Classification Criteria (2023). Collection method: clinical testing. Allele origin: unknown.
Comment: This variant is considered benign. This variant is a silent/synonymous amino acid change and it is not expected to impact splicing.

Blueprint Genetics
Classification: Likely benign. Last evaluated: 2023-03-02. Review status: criteria provided, single submitter. Criteria: ACMG Guidelines, 2015. Collection method: clinical testing. Allele origin: germline.

Ambry Genetics
Classification: Likely benign for Hereditary cancer-predisposing syndrome. Last evaluated: 2020-12-08. Review status: criteria provided, single submitter. Criteria: Ambry Variant Classification Scheme 2023. Collection method: clinical testing. Allele origin: germline.

Color Diagnostics, LLC DBA Color Health
Classification: Likely benign for Hereditary cancer-predisposing syndrome. Last evaluated: 2017-01-23. Review status: criteria provided, single submitter. Criteria: ACMG Guidelines, 2015. Collection method: clinical testing. Allele origin: germline.